The following is an entry in ClinVar:

ClinVar aggregate classification (germline): Likely pathogenic (1 of 4 stars; one submission).

Conditions:
Werner syndrome (WRN). Identifiers: Orphanet 902, MedGen C0043119, MONDO:0010196, OMIM 277700.

Submission:

Labcorp Genetics (formerly Invitae), Labcorp
Classification: Likely pathogenic for Werner syndrome. Last evaluated: 2021-03-30. Review status: criteria provided, single submitter. Criteria: Invitae Variant Classification Sherloc (09022015). Collection method: clinical testing. Allele origin: germline.
Comment: In summary, the currently available evidence indicates that the variant is pathogenic, but additional data are needed to prove that conclusively. Therefore, this variant has been classified as Likely Pathogenic. This variant has not been reported in the literature in individuals with WRN-related conditions. This variant results in the deletion of exon(s) 22-28 and part of exon 21 (c.2573_3384-736del) of the WRN gene. It is expected to disrupt RNA splicing. Variants that disrupt the donor or acceptor splice site typically lead to a loss of protein function (PMID: 16199547), and loss-of-function variants in WRN are known to be pathogenic (PMID: 16673358).

Literature cited by the submitters: PubMed 16199547; PubMed 16673358.

NC_000008.10:g.(?_30977883)_(31003833_?)del

Gene: WRN (WRN RecQ like helicase; plus strand). Cytogenetic location: 8p12.
Variant type: Deletion.
Identifiers: ClinVar variation 1500077 (VCV001500077.4).